The following is an entry in ClinVar:

ClinVar aggregate classification (germline): Likely pathogenic (1 of 4 stars; one submission).

Conditions:
Walker-Warburg congenital muscular dystrophy. Also called: Muscular dystrophy-dystroglycanopathy, type A; Walker-Warburg syndrome. Identifiers: Orphanet 899, MedGen C0265221, MONDO:0000171.

Submission:

Labcorp Genetics (formerly Invitae), Labcorp
Classification: Likely pathogenic for Walker-Warburg congenital muscular dystrophy. Last evaluated: 2022-06-29. Review status: criteria provided, single submitter. Criteria: Invitae Variant Classification Sherloc (09022015). Collection method: clinical testing. Allele origin: germline.
Comment: This variant is not present in population databases (gnomAD no frequency). This sequence change affects a donor splice site in intron 5 of the FKTN gene. It is expected to disrupt RNA splicing. Variants that disrupt the donor or acceptor splice site typically lead to a loss of protein function (PMID: 16199547), and loss-of-function variants in FKTN are known to be pathogenic (PMID: 17044012, 17878207, 18752264). This variant has not been reported in the literature in individuals affected with FKTN-related conditions. In summary, the currently available evidence indicates that the variant is pathogenic, but additional data are needed to prove that conclusively. Therefore, this variant has been classified as Likely Pathogenic. Algorithms developed to predict the effect of sequence changes on RNA splicing suggest that this variant may disrupt the consensus splice site.

Literature cited by the submitters: PubMed 16199547; PubMed 17044012; PubMed 17878207; PubMed 18752264.

NM_001079802.2(FKTN):c.369+2T>G

Gene: FKTN (fukutin; plus strand). Cytogenetic location: 9q31.2.
Variant type: single nucleotide variant.
Coding change: c.369+2T>G on transcript NM_001079802.2 (MANE Select); the canonical splice donor site of the intron after coding-DNA position 369, T replaced by G.
Molecular consequence: splice donor variant.
Genome position (GRCh38, 1-based): chr9:105,601,350, T>G. VCF-style: chr9-105601350-T-G. GRCh37 (hg19) VCF-style: chr9-108363631-T-G.
Other names: c.-146+2T>G (NM_001351502.2, NM_001351499.2, NM_001351500.2 and 1 more transcripts); c.300+2T>G (NM_001351497.2); c.369+2T>G (NM_001351496.2, NM_001198963.2, NM_001351498.2 and 1 more transcripts).
Identifiers: ClinVar variation 2012085 (VCV002012085.4), dbSNP rs2539338375, ClinGen allele CA374331848.